The following is an entry in ClinVar:

NM_017739.4(POMGNT1):c.325A>G (p.Lys109Glu)

Gene: POMGNT1 (protein O-linked mannose N-acetylglucosaminyltransferase 1 (beta 1,2-); minus strand). Cytogenetic location: 1p34.1.
Variant type: single nucleotide variant.
Coding change: c.325A>G on transcript NM_017739.4 (MANE Select); coding-DNA position 325, A replaced by G.
Protein change: p.Lys109Glu; replaces lysine 109 with glutamic acid.
Molecular consequence: missense variant. On other transcripts: 5 prime UTR variant (1).
Genome position (GRCh38, 1-based): chr1:46,196,760, T>C on the plus strand (A>G on the coding strand, the complement: POMGNT1 is on the minus strand). VCF-style: chr1-46196760-T-C. GRCh37 (hg19) VCF-style: chr1-46662432-T-C.
Other names: c.325A>G, p.Lys109Glu (NM_001243766.2, NM_001410783.1); c.259A>G, p.Lys87Glu (NM_001290129.3); c.-105A>G (NM_001290130.2); short protein forms K87E, K109E.
Identifiers: ClinVar variation 941649 (VCV000941649.10), dbSNP rs1459243404, ClinGen allele CA340191587.

ClinVar aggregate classification (germline): Uncertain significance. Review status: criteria provided, multiple submitters, no conflicts (2 of 4 stars). 4 submissions from 4 submitters: Uncertain significance (3). 1 of the submissions does not count toward it. Last evaluated 2025-02-27.

Conditions:
Inborn genetic diseases. Identifiers: MedGen C0950123, MeSH D030342.
Autosomal recessive limb-girdle muscular dystrophy type 2O. Also called: MUSCULAR DYSTROPHY-DYSTROGLYCANOPATHY (LIMB-GIRDLE), TYPE C, 3; MUSCULAR DYSTROPHY-DYSTROGLYCANOPATHY, LIMB-GIRDLE, POMGNT1-RELATED; Limb-Girdle Muscular Dystrophy Type 3C. Identifiers: Orphanet 206564, MedGen C3150417, MONDO:0013161, OMIM 613157.
Muscular dystrophy-dystroglycanopathy (congenital with impaired intellectual development), type B, 3. Also called: Muscular dystrophy-dystroglycanopathy (congenital with intellectual disability), type B3; MUSCULAR DYSTROPHY, CONGENITAL, POMGNT1-RELATED. Identifiers: MedGen C3150412, MONDO:0013155, OMIM 613151.
Muscle eye brain disease (MEB). Also called: Santavuori congenital muscular dystrophy. Identifiers: Orphanet 588, Orphanet 899, MedGen C0457133, MONDO:0018939.

Allele frequency attached by ClinVar (database versions not stated): gnomAD exomes 0.00001; gnomAD 0.00001; TOPMed 0.00001.
gnomAD v4.1: 15 of 1,614,050 alleles (0.00093%); highest among the groups gnomAD compares: Non-Finnish European, 0.0013%; no homozygotes.

Submissions (4):

Ambry Genetics
Classification: Uncertain significance for Inborn genetic diseases. Last evaluated: 2025-02-27. Review status: criteria provided, single submitter. Criteria: Ambry Variant Classification Scheme 2023. Collection method: clinical testing. Allele origin: germline.

Labcorp Genetics (formerly Invitae), Labcorp
Classification: Uncertain significance for Autosomal recessive limb-girdle muscular dystrophy type 2O; Muscular dystrophy-dystroglycanopathy (congenital with impaired intellectual development), type B, 3. Last evaluated: 2021-08-27. Review status: criteria provided, single submitter. Criteria: Invitae Variant Classification Sherloc (09022015). Collection method: clinical testing. Allele origin: germline.
Comment: This sequence change replaces lysine with glutamic acid at codon 109 of the POMGNT1 protein (p.Lys109Glu). The lysine residue is highly conserved and there is a small physicochemical difference between lysine and glutamic acid. This variant is not present in population databases (ExAC no frequency). This variant has not been reported in the literature in individuals affected with POMGNT1-related conditions. Algorithms developed to predict the effect of missense changes on protein structure and function are either unavailable or do not agree on the potential impact of this missense change (SIFT: "Deleterious"; PolyPhen-2: "Benign"; Align-GVGD: "Class C55"). In summary, the available evidence is currently insufficient to determine the role of this variant in disease. Therefore, it has been classified as a Variant of Uncertain Significance.

Revvity Omics, Revvity
Classification: Uncertain significance. Last evaluated: 2019-06-28. Review status: criteria provided, single submitter. Criteria: ACMG Guidelines, 2015. Collection method: clinical testing. Allele origin: germline.

Natera, Inc.
Classification: Uncertain significance for Muscle-eye-brain disease. Last evaluated: 2021-05-27. Review status: no assertion criteria provided. Collection method: clinical testing. Allele origin: germline. Not counted in ClinVar's aggregate classification.